The following is an entry in ClinVar:

NM_001843.4(CNTN1):c.2685G>T (p.Met895Ile)

Gene: CNTN1 (contactin 1; plus strand). Cytogenetic location: 12q12.
Variant type: single nucleotide variant.
Coding change: c.2685G>T on transcript NM_001843.4 (MANE Select); coding-DNA position 2685, G replaced by T.
Protein change: p.Met895Ile; replaces methionine 895 with isoleucine.
Molecular consequence: missense variant.
Genome position (GRCh38, 1-based): chr12:41,025,311, G>T. VCF-style: chr12-41025311-G-T. GRCh37 (hg19) VCF-style: chr12-41419113-G-T.
Other names: c.2652G>T, p.Met884Ile (NM_175038.2); short protein forms M895I, M884I.
Identifiers: ClinVar variation 451397 (VCV000451397.2), dbSNP rs1276439439, ClinGen allele CA384587736.

ClinVar aggregate classification (germline): Uncertain significance (1 of 4 stars; one submission).

Allele frequency attached by ClinVar (database versions not stated): TOPMed below 0.00001.

Submission:

GeneDx
Classification: Uncertain significance. Last evaluated: 2017-08-18. Review status: criteria provided, single submitter. Criteria: GeneDx Variant Classification (06012015). Collection method: clinical testing. Allele origin: germline. Affected: yes.
Comment: The M895I variant in the CNTN1 gene has not been reported previously as a pathogenic variant, nor as a benign variant, to our knowledge. The M895I variant is not observed in large population cohorts (Lek et al., 2016; 1000 Genomes Consortium et al., 2015; Exome Variant Server). The M895I variant is a conservative amino acid substitution, which is not likely to impact secondary protein structure as these residues share similar properties. This substitution occurs at a position that is not conserved. In silico analysis is inconsistent in its predictions as to whether or not the variant is damaging to the protein structure/function. We interpret M895I as a variant of uncertain significance.